The following is an entry in ClinVar:

NM_001029.5(RPS26):c.157A>G (p.Ile53Val)

Gene: RPS26 (ribosomal protein S26; plus strand). Cytogenetic location: 12q13.2.
Variant type: single nucleotide variant.
Coding change: c.157A>G on transcript NM_001029.5 (MANE Select); coding-DNA position 157, A replaced by G.
Protein change: p.Ile53Val; replaces isoleucine 53 with valine.
Molecular consequence: missense variant.
Genome position (GRCh38, 1-based): chr12:56,042,578, A>G. VCF-style: chr12-56042578-A-G. GRCh37 (hg19) VCF-style: chr12-56436362-A-G.
Other names: short protein forms I53V.
Identifiers: ClinVar variation 1034425 (VCV001034425.8), dbSNP rs1295092646, ClinGen allele CA385326596.

ClinVar aggregate classification (germline): Uncertain significance (1 of 4 stars; one submission).

Conditions:
Diamond-Blackfan anemia 10 (DBA10). Also called: RPS26-Related Diamond-Blackfan Anemia. Identifiers: Orphanet 124, MedGen C2750080, MONDO:0013217, OMIM 613309.

Allele frequency attached by ClinVar (database versions not stated): gnomAD exomes below 0.00001.
gnomAD v4.1: 5 of 1,598,988 alleles (0.00031%); highest among the groups gnomAD compares: Middle Eastern, 0.033%; no homozygotes.

Submission:

Labcorp Genetics (formerly Invitae), Labcorp
Classification: Uncertain significance for Diamond-Blackfan anemia 10. Last evaluated: 2022-03-05. Review status: criteria provided, single submitter. Criteria: Invitae Variant Classification Sherloc (09022015). Collection method: clinical testing. Allele origin: germline.
Comment: This sequence change replaces isoleucine, which is neutral and non-polar, with valine, which is neutral and non-polar, at codon 53 of the RPS26 protein (p.Ile53Val). This variant is present in population databases (no rsID available, gnomAD no frequency). This variant has not been reported in the literature in individuals affected with RPS26-related conditions. ClinVar contains an entry for this variant (Variation ID: 1034425). Algorithms developed to predict the effect of missense changes on protein structure and function (SIFT, PolyPhen-2, Align-GVGD) all suggest that this variant is likely to be tolerated. In summary, the available evidence is currently insufficient to determine the role of this variant in disease. Therefore, it has been classified as a Variant of Uncertain Significance.